The following is an entry in ClinVar:

ClinVar aggregate classification (germline): Uncertain significance. Review status: criteria provided, multiple submitters, no conflicts (2 of 4 stars). 2 submissions from 2 submitters: Uncertain significance (2). Last evaluated 2023-10-04.

Conditions:
Inborn genetic diseases. Identifiers: MedGen C0950123, MeSH D030342.
Amyotrophic lateral sclerosis type 1 (ALS1). Also called: AMYOTROPHIC LATERAL SCLEROSIS 1, FAMILIAL. Identifiers: Orphanet 803, MedGen C1862939, MONDO:0007103, OMIM 105400.
Neuronopathy, distal hereditary motor, type 7B. Also called: HMN VIIB; LOWER MOTOR NEURON DISEASE, DYNACTIN TYPE; NEURONOPATHY, DISTAL HEREDITARY MOTOR, AUTOSOMAL DOMINANT 14; NEURONOPATHY, DISTAL HEREDITARY MOTOR, HARDING TYPE VIIB; NEUROPATHY, DISTAL HEREDITARY MOTOR, HARDING TYPE VIIB; NEUROPATHY, DISTAL HEREDITARY MOTOR, WITH VOCAL CORD PARALYSIS, HARDING TYPE VIIB. Identifiers: Orphanet 139589, MedGen C1843315, MONDO:0011879, OMIM 607641.
Perry syndrome. Also called: PARKINSONISM WITH ALVEOLAR HYPOVENTILATION AND MENTAL DEPRESSION. Identifiers: Orphanet 178509, MedGen C1868594, MONDO:0008201, OMIM 168605.

Allele frequency attached by ClinVar (database versions not stated): gnomAD exomes 0.00001.
gnomAD v4.1: 10 of 1,612,560 alleles (0.00062%); highest among the groups gnomAD compares: Non-Finnish European, 0.00076%; no homozygotes.

Submissions (2):

Labcorp Genetics (formerly Invitae), Labcorp
Classification: Uncertain significance for Amyotrophic lateral sclerosis type 1; Neuronopathy, distal hereditary motor, type 7B; Perry syndrome. Last evaluated: 2023-10-04. Review status: criteria provided, single submitter. Criteria: Invitae Variant Classification Sherloc (09022015). Collection method: clinical testing. Allele origin: germline.
Comment: This sequence change replaces alanine, which is neutral and non-polar, with threonine, which is neutral and polar, at codon 466 of the DCTN1 protein (p.Ala466Thr). This variant is not present in population databases (gnomAD no frequency). This variant has not been reported in the literature in individuals affected with DCTN1-related conditions. ClinVar contains an entry for this variant (Variation ID: 1771650). Advanced modeling of protein sequence and biophysical properties (such as structural, functional, and spatial information, amino acid conservation, physicochemical variation, residue mobility, and thermodynamic stability) performed at Invitae indicates that this missense variant is not expected to disrupt DCTN1 protein function. Algorithms developed to predict the effect of sequence changes on RNA splicing suggest that this variant may disrupt the consensus splice site. In summary, the available evidence is currently insufficient to determine the role of this variant in disease. Therefore, it has been classified as a Variant of Uncertain Significance.

Ambry Genetics
Classification: Uncertain significance for Inborn genetic diseases. Last evaluated: 2020-03-26. Review status: criteria provided, single submitter. Criteria: Ambry Variant Classification Scheme 2023. Collection method: clinical testing. Allele origin: germline.
Comment: The p.A466T variant (also known as c.1396G>A), located in coding exon 14 of the DCTN1 gene, results from a G to A substitution at nucleotide position 1396. The alanine at codon 466 is replaced by threonine, an amino acid with similar properties. This amino acid position is highly conserved in available vertebrate species. In addition, the in silico prediction for this alteration is inconclusive. Since supporting evidence is limited at this time, the clinical significance of this alteration remains unclear.

NM_004082.5(DCTN1):c.1396G>A (p.Ala466Thr)

Gene: DCTN1 (dynactin subunit 1; minus strand). Cytogenetic location: 2p13.1.
Variant type: single nucleotide variant.
Coding change: c.1396G>A on transcript NM_004082.5 (MANE Select); coding-DNA position 1396, G replaced by A.
Protein change: p.Ala466Thr; replaces alanine 466 with threonine.
Molecular consequence: missense variant. On other transcripts: non-coding transcript variant (1).
Genome position (GRCh38, 1-based): chr2:74,369,488, C>T on the plus strand (G>A on the coding strand, the complement: DCTN1 is on the minus strand). VCF-style: chr2-74369488-C-T. GRCh37 (hg19) VCF-style: chr2-74596615-C-T.
Other names: c.1336G>A, p.Ala446Thr (NM_001135040.3); c.994G>A, p.Ala332Thr (NM_001135041.3, NM_023019.4); c.1285G>A, p.Ala429Thr (NM_001190836.2); c.1375G>A, p.Ala459Thr (NM_001190837.2); c.1345G>A, p.Ala449Thr (NM_001378991.1); c.1327G>A, p.Ala443Thr (NM_001378992.1); short protein forms A449T, A446T, A459T, A429T, A332T, A443T, A466T.
Identifiers: ClinVar variation 1771650 (VCV001771650.5), dbSNP rs2529146698, ClinGen allele CA347359271.